The following is an entry in ClinVar:

ClinVar aggregate classification (germline): Likely pathogenic (1 of 4 stars; one submission).

Conditions:
Dyskeratosis congenita, autosomal recessive 5 (DKCB5). Identifiers: MedGen C3554656, MONDO:0014076, OMIM 615190.
Pulmonary fibrosis and/or bone marrow failure, Telomere-related, 3. Also called: PULMONARY FIBROSIS AND/OR BONE MARROW FAILURE SYNDROME, TELOMERE-RELATED, 3. Identifiers: Orphanet 2032, MedGen C4225346, MONDO:0014613, OMIM 616373.

Allele frequency attached by ClinVar (database versions not stated): gnomAD exomes below 0.00001.
gnomAD v4.1: 1 of 1,613,850 alleles (0.000062%); highest among the groups gnomAD compares: Non-Finnish European, 0.000085%; no homozygotes.

Submission:

Labcorp Genetics (formerly Invitae), Labcorp
Classification: Likely pathogenic for Dyskeratosis congenita, autosomal recessive 5; Pulmonary fibrosis and/or bone marrow failure, Telomere-related, 3. Last evaluated: 2023-03-03. Review status: criteria provided, single submitter. Criteria: Invitae Variant Classification Sherloc (09022015). Collection method: clinical testing. Allele origin: germline.
Comment: This sequence change affects a donor splice site in intron 5 of the RTEL1 gene. It is expected to disrupt RNA splicing. Variants that disrupt the donor or acceptor splice site typically lead to a loss of protein function (PMID: 16199547), and loss-of-function variants in RTEL1 are known to be pathogenic (PMID: 23453664, 23959892, 25607374). This variant is not present in population databases (gnomAD no frequency). This variant has not been reported in the literature in individuals affected with RTEL1-related conditions. Algorithms developed to predict the effect of sequence changes on RNA splicing suggest that this variant may disrupt the consensus splice site. In summary, the currently available evidence indicates that the variant is pathogenic, but additional data are needed to prove that conclusively. Therefore, this variant has been classified as Likely Pathogenic.

Literature cited by the submitters: PubMed 16199547; PubMed 23453664; PubMed 23959892; PubMed 25607374.

NM_001283009.2(RTEL1):c.477+1G>A

Genes: RTEL1 (regulator of telomere elongation helicase 1; plus strand), RTEL1-TNFRSF6B (RTEL1-TNFRSF6B readthrough (NMD candidate); plus strand). Cytogenetic location: 20q13.33.
Variant type: single nucleotide variant.
Coding change: c.477+1G>A on transcript NM_001283009.2 (MANE Select); the canonical splice donor site of the intron after coding-DNA position 477, G replaced by A.
Molecular consequence: splice donor variant.
Genome position (GRCh38, 1-based): chr20:63,662,628, G>A. VCF-style: chr20-63662628-G-A. GRCh37 (hg19) VCF-style: chr20-62293981-G-A.
Other names: c.-193+1G>A (NM_001283010.1); c.549+1G>A (NM_032957.5); c.477+1G>A (NM_016434.4).
Identifiers: ClinVar variation 2944633 (VCV002944633.3), dbSNP rs2516998156, ClinGen allele CA409669782.